The following is an entry in ClinVar:

NM_017755.6(NSUN2):c.97G>T (p.Gly33Cys)

Gene: NSUN2 (NOP2/Sun RNA methyltransferase 2; minus strand). Cytogenetic location: 5p15.31.
Variant type: single nucleotide variant.
Coding change: c.97G>T on transcript NM_017755.6 (MANE Select); coding-DNA position 97, G replaced by T.
Protein change: p.Gly33Cys; replaces glycine 33 with cysteine.
Molecular consequence: missense variant. On other transcripts: non-coding transcript variant (1).
Genome position (GRCh38, 1-based): chr5:6,632,756, C>A on the plus strand (G>T on the coding strand, the complement: NSUN2 is on the minus strand). VCF-style: chr5-6632756-C-A. GRCh37 (hg19) VCF-style: chr5-6632869-C-A.
Other names: c.97G>T, p.Gly33Cys (NM_001193455.2); short protein forms G33C.
Identifiers: ClinVar variation 1918216 (VCV001918216.5), dbSNP rs1287325697, ClinGen allele CA359130687.

ClinVar aggregate classification (germline): Uncertain significance (1 of 4 stars; one submission).

Allele frequency attached by ClinVar (database versions not stated): TOPMed below 0.00001.
gnomAD v4.1: 5 of 1,613,444 alleles (0.00031%); highest among the groups gnomAD compares: Admixed American, 0.005%; no homozygotes.

Submission:

Labcorp Genetics (formerly Invitae), Labcorp
Classification: Uncertain significance. Last evaluated: 2025-08-18. Review status: criteria provided, single submitter. Criteria: Invitae Variant Classification Sherloc (09022015). Collection method: clinical testing. Allele origin: germline.
Comment: This sequence change replaces glycine, which is neutral and non-polar, with cysteine, which is neutral and slightly polar, at codon 33 of the NSUN2 protein (p.Gly33Cys). This variant is present in population databases (no rsID available, gnomAD 0.009%). This variant has not been reported in the literature in individuals affected with NSUN2-related conditions. ClinVar contains an entry for this variant (Variation ID: 1918216). Experimental studies and prediction algorithms are not available or were not evaluated, and the functional significance of this variant is currently unknown. In summary, the available evidence is currently insufficient to determine the role of this variant in disease. Therefore, it has been classified as a Variant of Uncertain Significance.